The following is an entry in ClinVar:

NM_004609.4(TCF15):c.141G>A (p.Ala47=)

Gene: TCF15 (transcription factor 15; minus strand). Cytogenetic location: 20p13.
Variant type: single nucleotide variant.
Coding change: c.141G>A on transcript NM_004609.4 (MANE Select); coding-DNA position 141, G replaced by A.
Protein change: p.Ala47=; no amino-acid change (alanine 47 retained).
Molecular consequence: synonymous variant.
Genome position (GRCh38, 1-based): chr20:610,097, C>T on the plus strand (G>A on the coding strand, the complement: TCF15 is on the minus strand). VCF-style: chr20-610097-C-T. GRCh37 (hg19) VCF-style: chr20-590741-C-T.
Identifiers: ClinVar variation 4872299 (VCV004872299.2).
Genomic context (GRCh38, chr20:610,097, plus strand): 5'-GGGGCCCGCGCCGCCGCCGCCGCCCGCCCGCCGCCCGCCCCCGGGGCCCGGGCCGCGCCG[C>T]GCCGCCTCCGGGCCCTCGCAGCAGCCGAACGACTGGTCCGACGCGTCGCTCTCGCTGCGG-3'
Protein context (NP_004600.3, residues 37-57): SFGCCEGPEA[Ala47=]RRGPGPGGGR

ClinVar aggregate classification (germline): Likely benign (1 of 4 stars; one submission).

Submission:

CeGaT Center for Human Genetics Tuebingen
Classification: Likely benign. Last evaluated: 2026-05-01. Review status: criteria provided, single submitter. Criteria: CeGaT Center For Human Genetics Tuebingen Variant Classification Criteria Version 2. Collection method: clinical testing. Allele origin: germline. Affected: yes. Observed: 1 variant allele.
Comment: TCF15: PM2:Supporting, BP4, BP7